The following is an entry in ClinVar:

NM_000264.5(PTCH1):c.1704del (p.Ala569fs)

Gene: PTCH1 (patched 1; minus strand). Cytogenetic location: 9q22.32.
Variant type: Deletion.
Coding change: c.1704del on transcript NM_000264.5 (MANE Select); coding-DNA position 1704, one base deleted (C; older notation c.1704delC).
Protein change: p.Ala569fs; shifts the reading frame from alanine 569.
Molecular consequence: frameshift variant. On other transcripts: non-coding transcript variant (1).
Genome position (GRCh38, 1-based): chr9:95,476,058, G deleted on the plus strand (C on the coding strand, the reverse complement: PTCH1 is on the minus strand); the first of 3 consecutive G bases (chr9:95,476,058-95,476,060); deleting any one gives the same sequence. VCF-style (leftmost placement, unchanged base first): chr9-95476057-CG-C. GRCh37 (hg19) VCF-style: chr9-98238339-CG-C.
Other names: c.1506del, p.Ala503fs (NM_001083602.3); c.1701del, p.Ala568fs (NM_001083603.3); c.1251del, p.Ala418fs (NM_001083604.3, NM_001083605.3, NM_001083606.3 and 1 more transcripts); c.1548del, p.Ala517fs (NM_001354918.2); short protein forms A418fs, A569fs, A503fs, A517fs, A568fs.
Identifiers: ClinVar variation 577436 (VCV000577436.9), dbSNP rs776154605, ClinGen allele CA5138578.

ClinVar aggregate classification (germline): Pathogenic (1 of 4 stars; one submission).

Conditions:
Gorlin syndrome. Also called: Basal cell nevus syndrome; Nevoid Basal Cell Carcinoma Syndrome. Identifiers: Orphanet 377, MedGen C0004779, MONDO:0007187.

Submission:

Labcorp Genetics (formerly Invitae), Labcorp
Classification: Pathogenic for Gorlin syndrome. Last evaluated: 2018-03-03. Review status: criteria provided, single submitter. Criteria: Invitae Variant Classification Sherloc (09022015). Collection method: clinical testing. Allele origin: germline.
Comment: For these reasons, this variant has been classified as Pathogenic. Loss-of-function variants in PTCH1 are known to be pathogenic (PMID: 16301862, 16419085). This variant has been reported in an individuals affected with nevoid basal cell carcinoma syndrome (PMID: 16301862). This variant is also known as del C in codon 568 in the literature. The frequency data for this variant in the population databases is considered unreliable, as metrics indicate poor data quality at this position in the ExAC database. This sequence change creates a premature translational stop signal (p.Ala569Leufs*11) in the PTCH1 gene. It is expected to result in an absent or disrupted protein product.

Literature cited by the submitters: PubMed 16301862; PubMed 16419085.